The following is an entry in ClinVar:

NM_021830.5(TWNK):c.1909C>T (p.Arg637Trp)

Gene: TWNK (twinkle mtDNA helicase; plus strand). Cytogenetic location: 10q24.31.
Variant type: single nucleotide variant.
Coding change: c.1909C>T on transcript NM_021830.5 (MANE Select); coding-DNA position 1909, C replaced by T.
Protein change: p.Arg637Trp; replaces arginine 637 with tryptophan.
Molecular consequence: missense variant. On other transcripts: 3 prime UTR variant (2), non-coding transcript variant (5).
Genome position (GRCh38, 1-based): chr10:100,993,364, C>T. VCF-style: chr10-100993364-C-T. GRCh37 (hg19) VCF-style: chr10-102753121-C-T.
Other names: c.*204C>T (NM_001163812.2, NM_001163814.2); c.547C>T, p.Arg183Trp (NM_001163813.2, NM_001368275.1); short protein forms R183W, R637W.
Identifiers: ClinVar variation 1314270 (VCV001314270.5), dbSNP rs755985090, ClinGen allele CA5653362.

ClinVar aggregate classification (germline): Uncertain significance. Review status: criteria provided, multiple submitters, no conflicts (2 of 4 stars). 2 submissions from 2 submitters: Uncertain significance (2). Last evaluated 2021-04-07.

Conditions:
Hereditary spastic paraplegia. Also called: Familial spastic paraparesis. Identifiers: Orphanet 685, MedGen C0037773, MONDO:0019064. Disease mechanism: loss of function.

Allele frequency attached by ClinVar (database versions not stated): gnomAD exomes below 0.00001 and 0.00001; ExAC 0.00001; TOPMed 0.00001; gnomAD 0.00002.
gnomAD v4.1: 17 of 1,614,074 alleles (0.0011%); highest among the groups gnomAD compares: East Asian, 0.0022%; no homozygotes.

Submissions (2):

GeneDx
Classification: Uncertain significance. Last evaluated: 2021-04-07. Review status: criteria provided, single submitter. Criteria: GeneDx Variant Classification Process June 2021. Collection method: clinical testing. Allele origin: germline. Affected: yes.
Comment: In silico analysis supports that this missense variant has a deleterious effect on protein structure/function; Has not been previously published as pathogenic or benign to our knowledge

Genome Diagnostics Laboratory, The Hospital for Sick Children
Classification: Uncertain significance for Hereditary spastic paraplegia. Last evaluated: 2020-05-07. Review status: criteria provided, single submitter. Criteria: ACMG Guidelines, 2015. Collection method: clinical testing. Allele origin: germline. Affected: yes.